The following is an entry in ClinVar:

NM_000264.5(PTCH1):c.2498T>C (p.Met833Thr)

Genes: PTCH1 (patched 1; minus strand), LOC100507346 (uncharacterized LOC100507346; plus strand). Cytogenetic location: 9q22.32.
Variant type: single nucleotide variant.
Coding change: c.2498T>C on transcript NM_000264.5 (MANE Select); coding-DNA position 2498, T replaced by C.
Protein change: p.Met833Thr; replaces methionine 833 with threonine.
Molecular consequence: missense variant. On other transcripts: non-coding transcript variant (2).
Genome position (GRCh38, 1-based): chr9:95,467,178, A>G on the plus strand (T>C on the coding strand, the complement: PTCH1 is on the minus strand). VCF-style: chr9-95467178-A-G. GRCh37 (hg19) VCF-style: chr9-98229460-A-G.
Other names: c.2300T>C, p.Met767Thr (NM_001083602.3); c.2495T>C, p.Met832Thr (NM_001083603.3); c.2045T>C, p.Met682Thr (NM_001083604.3, NM_001083605.3, NM_001083606.3 and 1 more transcripts); c.2342T>C, p.Met781Thr (NM_001354918.2); short protein forms M767T, M833T, M682T, M781T, M832T.
Identifiers: ClinVar variation 409144 (VCV000409144.12), dbSNP rs1060502269, ClinGen allele CA16612764.

ClinVar aggregate classification (germline): Uncertain significance. Review status: criteria provided, multiple submitters, no conflicts (2 of 4 stars). 3 submissions from 3 submitters: Uncertain significance (3). Last evaluated 2025-12-29.

Conditions:
Gorlin syndrome. Also called: Nevoid Basal Cell Carcinoma Syndrome; Basal cell nevus syndrome. Identifiers: Orphanet 377, MedGen C0004779, MONDO:0007187.
Hereditary cancer-predisposing syndrome. Also called: Hereditary neoplastic syndrome; Neoplastic Syndromes, Hereditary; Tumor predisposition; Hereditary Cancer Syndrome. Identifiers: Orphanet 140162, MedGen C0027672, MeSH D009386, MONDO:0015356.

Submissions (3):

Center for Genomic Medicine, Rigshospitalet, Copenhagen University Hospital
Classification: Uncertain significance. Last evaluated: 2025-12-29. Review status: criteria provided, single submitter. Criteria: ACMG Guidelines, 2015. Collection method: clinical testing. Allele origin: germline.

Labcorp Genetics (formerly Invitae), Labcorp
Classification: Uncertain significance for Gorlin syndrome. Last evaluated: 2025-06-25. Review status: criteria provided, single submitter. Criteria: Invitae Variant Classification Sherloc (09022015). Collection method: clinical testing. Allele origin: germline.
Comment: This sequence change replaces methionine, which is neutral and non-polar, with threonine, which is neutral and polar, at codon 833 of the PTCH1 protein (p.Met833Thr). This variant is not present in population databases (gnomAD no frequency). This variant has not been reported in the literature in individuals affected with PTCH1-related conditions. ClinVar contains an entry for this variant (Variation ID: 409144). Invitae Evidence Modeling of protein sequence and biophysical properties (such as structural, functional, and spatial information, amino acid conservation, physicochemical variation, residue mobility, and thermodynamic stability) indicates that this missense variant is not expected to disrupt PTCH1 protein function with a negative predictive value of 95%. In summary, the available evidence is currently insufficient to determine the role of this variant in disease. Therefore, it has been classified as a Variant of Uncertain Significance.

Ambry Genetics
Classification: Uncertain significance for Hereditary cancer-predisposing syndrome. Last evaluated: 2024-11-12. Review status: criteria provided, single submitter. Criteria: Ambry Variant Classification Scheme 2023. Collection method: clinical testing. Allele origin: germline.
Comment: The p.M833T variant (also known as c.2498T>C), located in coding exon 15 of the PTCH1 gene, results from a T to C substitution at nucleotide position 2498. The methionine at codon 833 is replaced by threonine, an amino acid with similar properties. This amino acid position is not well conserved in available vertebrate species. In addition, the in silico prediction for this alteration is inconclusive. Since supporting evidence is limited at this time, the clinical significance of this alteration remains unclear.